The following is an entry in ClinVar:

ClinVar aggregate classification (germline): Likely pathogenic (1 of 4 stars; one submission).

Conditions:
Hyperekplexia 3 (HKPX3). Also called: HYPEREKPLEXIA 3, AUTOSOMAL RECESSIVE; HYPEREKPLEXIA 3, AUTOSOMAL DOMINANT. Identifiers: Orphanet 3197, MedGen C3553288, MONDO:0013827, OMIM 614618.

Submission:

Labcorp Genetics (formerly Invitae), Labcorp
Classification: Likely pathogenic for Hyperekplexia 3. Last evaluated: 2024-10-23. Review status: criteria provided, single submitter. Criteria: Invitae Variant Classification Sherloc (09022015). Collection method: clinical testing. Allele origin: germline.
Comment: This sequence change affects a donor splice site in intron 14 of the SLC6A5 gene. It is expected to disrupt RNA splicing. Variants that disrupt the donor or acceptor splice site typically lead to a loss of protein function (PMID: 16199547), and loss-of-function variants in SLC6A5 are known to be pathogenic (PMID: 14622583, 16751771, 22700964). This variant is not present in population databases (gnomAD no frequency). Disruption of this splice site has been observed in individual(s) with SLC6A5-related conditions (internal data). Algorithms developed to predict the effect of sequence changes on RNA splicing suggest that this variant may disrupt the consensus splice site. In summary, the currently available evidence indicates that the variant is pathogenic, but additional data are needed to prove that conclusively. Therefore, this variant has been classified as Likely Pathogenic.

Literature cited by the submitters: PubMed 16199547; PubMed 14622583; PubMed 16751771; PubMed 22700964.

NM_004211.5(SLC6A5):c.2070+2T>G

Gene: SLC6A5 (solute carrier family 6 member 5; plus strand). Cytogenetic location: 11p15.1.
Variant type: single nucleotide variant.
Coding change: c.2070+2T>G on transcript NM_004211.5 (MANE Select); the canonical splice donor site of the intron after coding-DNA position 2070, T replaced by G.
Molecular consequence: splice donor variant.
Genome position (GRCh38, 1-based): chr11:20,646,936, T>G. VCF-style: chr11-20646936-T-G. GRCh37 (hg19) VCF-style: chr11-20668482-T-G.
Other names: c.1368+2T>G (NM_001318369.2).
Identifiers: ClinVar variation 2861932 (VCV002861932.3), dbSNP rs2133819352, ClinGen allele CA379919715.
Genomic context (GRCh38, chr11:20,646,936, plus strand): 5'-TCCAGCCTAACATCTTCTGGAAAGTCTGCTGGGCATTTGTAACCCCAACCATTTTAACCG[T>G]AAGGATTTTGCATGTTTTCTTGTGCAGACAGCACCTTGCATACGTATGTGGTGTTTTACA-3'